The following is an entry in ClinVar:

NM_014714.4(IFT140):c.1246C>T (p.Gln416Ter)

Genes: IFT140 (intraflagellar transport 140; minus strand), LOC105371046 (uncharacterized LOC105371046; plus strand). Cytogenetic location: 16p13.3.
Variant type: single nucleotide variant.
Coding change: c.1246C>T on transcript NM_014714.4 (MANE Select); coding-DNA position 1246, C replaced by T.
Protein change: p.Gln416Ter; replaces glutamine 416 with a stop codon.
Molecular consequence: nonsense.
Genome position (GRCh38, 1-based): chr16:1,584,330, G>A on the plus strand (C>T on the coding strand, the complement: IFT140 is on the minus strand). VCF-style: chr16-1584330-G-A. GRCh37 (hg19) VCF-style: chr16-1634331-G-A.
Other names: c.1246C>T (NM_014714.3); short protein forms Q416*.
Identifiers: ClinVar variation 2444130 (VCV002444130.5), dbSNP rs554927827, ClinGen allele CA7814391.
Genomic context (GRCh38, chr16:1,584,330, plus strand): 5'-CCCCCGTGGACAGGAAGCACACATTCAGCAGACTCGGGGAGACCTGCATGGCGGCCACTT[G>A]CTGGTGGAAGTGTGACGACATGGCCCGCTCGCTGAGGATGGCCACGGAGATGACGCTGTT-3'

ClinVar aggregate classification (germline): Pathogenic. Review status: criteria provided, multiple submitters, no conflicts (2 of 4 stars). 4 submissions from 4 submitters: Pathogenic (3). 1 of the submissions does not count toward it. Last evaluated 2026-06-16.

Conditions:
Cystic renal disease.
IFT140-related disorder. Also called: IFT140-related condition.
Renal cyst. Also called: Cystic kidney disease; cystic kidneys; Renal cysts. Identifiers: MedGen C3887499, MONDO:0002473, HP:0000107.
Retinitis pigmentosa 80 (RP80). Identifiers: MedGen C4540439, MONDO:0054708, OMIM 617781.

Allele frequency attached by ClinVar (database versions not stated): gnomAD exomes 0.00001; 1000 Genomes Project 0.00020; ExAC 0.00004; 1000 Genomes Project 30x 0.00016; gnomAD 0.00001.
gnomAD v4.1: 21 of 1,613,610 alleles (0.0013%); highest among the groups gnomAD compares: South Asian, 0.02%; no homozygotes.

Submissions (4):

Genetics Laboratory, Great Ormond Street Hospital NHS Foundation Trust, North Thames Genomic Laboratory Hub
Classification: Pathogenic for Cystic renal disease. Last evaluated: 2026-06-16. Review status: criteria provided, single submitter. Criteria: ACGS Best Practice Guidelines for Variant Classification in Rare Disease 2024 v1.2. Collection method: clinical testing. Allele origin: germline. Affected: yes.
Comment: PS4_moderate, PVS1_very-strong

Victorian Clinical Genetics Services, Murdoch Childrens Research Institute
Classification: Pathogenic for Renal cyst. Last evaluated: 2025-02-06. Review status: criteria provided, single submitter. Criteria: ACMG Guidelines, 2015. Collection method: clinical testing. Allele origin: germline. Affected: yes.
Comment: This variant is classified as Pathogenic. Evidence in support of pathogenic classification: Variant is predicted to cause nonsense-mediated decay (NMD) and loss of protein (premature termination codon is located at least 54 nucleotides upstream of the final exon-exon junction); Variant is present in gnomAD <0.01 (v4: 21 heterozygote(s), 0 homozygote(s)); This variant has moderate previous evidence of pathogenicity in unrelated individuals. This variant has been classified as pathogenic by clinical laboratories in ClinVar. This variant has also been reported in two unrelated individuals with renal cysts (PMID: 34890546); Other NMD-predicted variants comparable to the one identified in this case have very strong previous evidence for pathogenicity (DECIPHER). These variants have been reported in families with later onset autosomal dominant polycystic kidney disease (PMID: 34890546) and autosomal recessive IFT140-related conditions (PMID: 22503633, 26968735). Additional information: This variant is heterozygous; This gene is associated with both recessive and dominant disease. Retinitis pigmentosa 80 (MIM#617781) and short-rib thoracic dysplasia 9 with or without polydactyly (MIM#266920) are inherited in an autosomal recessive manner, while cystic kidney disease (MONDO:0002473), IFT140-related, is inherited in an autosomal dominant manner (OMIM, PMID: 34890546); Loss of function is a known mechanism of disease in this gene and is associated with retinitis pigmentosa 80 (MIM#617781), short-rib thoracic dysplasia 9 with or without polydactyly (MIM#266920) and cystic kidney disease (MONDO:0002473), IFT140-related (PMID: 34890546); The dominant condition associated with this gene may have incomplete penetrance. Parents of children with short-rib thoracic dysplasia 9 with or without polydactyly, who carry a single pathogenic variant that has also previously been associated with the dominant cystic kidney disease phenotype, have been reported as unaffected (PMID: 34890546). However, these parents weren't specifically assessed for cystic kidney disease; Inheritance information for this variant is not currently available in this individual.

3billion
Classification: Pathogenic for Retinitis pigmentosa 80. Last evaluated: 2023-02-23. Review status: criteria provided, single submitter. Criteria: ACMG Guidelines, 2015. Collection method: clinical testing. Allele origin: unknown. Affected: yes.
Comment: The variant is observed at an extremely low frequency in the gnomAD v2.1.1 dataset (total allele frequency: 0.002%). Stop-gained (nonsense) variant predicted to result in a loss or disruption of normal protein function through nonsense-mediated decay (NMD) or protein truncation. Multiple pathogenic variants are reported downstream of the variant. The variant has been reported to be associated with IFT140-related disorder (PMID: 34890546). Therefore, this variant is classified as Pathogenic according to the recommendation of ACMG/AMP guideline.

PreventionGenetics, part of Exact Sciences
Classification: Pathogenic for IFT140-related condition. Last evaluated: 2024-04-18. Review status: no assertion criteria provided. Collection method: clinical testing. Allele origin: germline. Not counted in ClinVar's aggregate classification.
Comment: The IFT140 c.1246C>T variant is predicted to result in premature protein termination (p.Gln416*). This variant was reported in an individual with the autosomal dominant polycystic kidney-spectrum phenotype (Senum et al. 2022. PubMed ID: 34890546). This variant is reported in 0.020% of alleles in individuals of South Asian descent in gnomAD. Nonsense variants in IFT140 are expected to be pathogenic. This variant is interpreted as pathogenic for both autosomal dominant and autosomal recessive IFT140-related disorders.

Literature cited by the submitters: PubMed 26968735 (cited by Victorian Clinical Genetics Services, Murdoch Childrens Research Institute); PubMed 22503633 (cited by Victorian Clinical Genetics Services, Murdoch Childrens Research Institute); PubMed 34890546 (cited by Victorian Clinical Genetics Services, Murdoch Childrens Research Institute and 3billion).